The following is an entry in ClinVar:

ClinVar aggregate classification (germline): Benign (1 of 4 stars; one submission).

Allele frequency attached by ClinVar (database versions not stated): 1000 Genomes Project 30x 0.00453; 1000 Genomes Project 0.00479; ESP Exome Variant Server 0.00723; ExAC 0.00910.
gnomAD v4.1: 13,972 of 1,614,054 alleles (0.87%); highest among the groups gnomAD compares: Middle Eastern, 2.9%; 115 homozygotes.

Submission:

CeGaT Center for Human Genetics Tuebingen
Classification: Benign. Last evaluated: 2024-02-01. Review status: criteria provided, single submitter. Criteria: CeGaT Center For Human Genetics Tuebingen Variant Classification Criteria Version 2. Collection method: clinical testing. Allele origin: germline. Affected: yes. Observed: 3 variant alleles.
Comment: PDHA2: BS1, BS2

NM_005390.5(PDHA2):c.857G>C (p.Arg286Pro)

Gene: PDHA2 (pyruvate dehydrogenase E1 subunit alpha 2; plus strand). Cytogenetic location: 4q22.3.
Variant type: single nucleotide variant.
Coding change: c.857G>C on transcript NM_005390.5 (MANE Select); coding-DNA position 857, G replaced by C.
Protein change: p.Arg286Pro; replaces arginine 286 with proline.
Molecular consequence: missense variant.
Genome position (GRCh38, 1-based): chr4:95,841,007, G>C. VCF-style: chr4-95841007-G-C. GRCh37 (hg19) VCF-style: chr4-96762158-G-C.
Other names: short protein forms R286P.
Identifiers: ClinVar variation 2571210 (VCV002571210.27), dbSNP rs147966234, ClinGen allele CA3016353.